The following is an entry in ClinVar:

NM_000891.3(KCNJ2):c.1151G>A (p.Ser384Asn)

Gene: KCNJ2 (potassium inwardly rectifying channel subfamily J member 2; plus strand). Cytogenetic location: 17q24.3.
Variant type: single nucleotide variant.
Coding change: c.1151G>A on transcript NM_000891.3 (MANE Select); coding-DNA position 1151, G replaced by A.
Protein change: p.Ser384Asn; replaces serine 384 with asparagine.
Molecular consequence: missense variant.
Genome position (GRCh38, 1-based): chr17:70,176,190, G>A. VCF-style: chr17-70176190-G-A. GRCh37 (hg19) VCF-style: chr17-68172331-G-A.
Other names: short protein forms S384N.
Identifiers: ClinVar variation 2936501 (VCV002936501.3), dbSNP rs2509921802, ClinGen allele CA400863738.
Genomic context (GRCh38, chr17:70,176,190, plus strand): 5'-AGAAATATATCCTCTCAAATGCAAATTCATTTTGCTATGAAAATGAAGTTGCCCTCACAA[G>A]CAAAGAGGAAGACGACAGTGAAAATGGAGTTCCAGAAAGCACTAGTACGGACACGCCCCC-3'
Protein context (NP_000882.1, residues 374-394): FCYENEVALT[Ser384Asn]KEEDDSENGV

ClinVar aggregate classification (germline): Uncertain significance (1 of 4 stars; one submission).

Conditions:
Andersen Tawil syndrome (LQT7). Also called: ANDERSEN CARDIODYSRHYTHMIC PERIODIC PARALYSIS; LONG QT SYNDROME 7; PERIODIC PARALYSIS, POTASSIUM-SENSITIVE CARDIODYSRHYTHMIC TYPE; Andersen Syndrome; Potassium-sensitive periodic paralysis, ventricular ectopy, and dysmorphic features. Identifiers: Orphanet 37553, MedGen C1563715, MONDO:0008222, OMIM 170390.
Short QT syndrome type 3. Identifiers: Orphanet 51083, MedGen C1865018, MONDO:0012314, OMIM 609622.

Submission:

Labcorp Genetics (formerly Invitae), Labcorp
Classification: Uncertain significance for Short QT syndrome type 3; Andersen Tawil syndrome. Last evaluated: 2023-03-16. Review status: criteria provided, single submitter. Criteria: Invitae Variant Classification Sherloc (09022015). Collection method: clinical testing. Allele origin: germline.
Comment: An algorithm developed to predict the effect of missense changes on protein structure and function (PolyPhen-2) suggests that this variant is likely to be tolerated. This variant has not been reported in the literature in individuals affected with KCNJ2-related conditions. This variant is not present in population databases (gnomAD no frequency). This sequence change replaces serine, which is neutral and polar, with asparagine, which is neutral and polar, at codon 384 of the KCNJ2 protein (p.Ser384Asn). In summary, the available evidence is currently insufficient to determine the role of this variant in disease. Therefore, it has been classified as a Variant of Uncertain Significance.